The following is an entry in ClinVar:

NM_001114753.3(ENG):c.1442C>T (p.Pro481Leu)

Genes: ENG (endoglin; minus strand), LOC102723566 (uncharacterized LOC102723566; plus strand). Cytogenetic location: 9q34.11.
Variant type: single nucleotide variant.
Coding change: c.1442C>T on transcript NM_001114753.3 (MANE Select); coding-DNA position 1442, C replaced by T.
Protein change: p.Pro481Leu; replaces proline 481 with leucine.
Molecular consequence: missense variant. On other transcripts: non-coding transcript variant (1).
Genome position (GRCh38, 1-based): chr9:127,818,364, G>A on the plus strand (C>T on the coding strand, the complement: ENG is on the minus strand). VCF-style: chr9-127818364-G-A. GRCh37 (hg19) VCF-style: chr9-130580643-G-A.
Other names: c.1442C>T (NM_001114753.1, NM_000118.2); c.1442C>T, p.Pro481Leu (NM_000118.4); c.896C>T, p.Pro299Leu (NM_001278138.2); short protein forms P299L, P481L.
Identifiers: ClinVar variation 4904618 (VCV004904618.3).
Genomic context (GRCh38, chr9:127,818,364, plus strand): 5'-CCCTCAGGCCCCAAGTCCAGGTGGCAGCTGTCTAACTGGAGCAGGAACTCGGAGACGGAT[G>A]GGGACACTCTGACCTGCATGGGTAGGTAGGGCCACGCGGCATGGGCAGCTGCTCTTCACC-3'
Protein context (NP_001108225.1, residues 471-491): QQSFVQVRVS[Pro481Leu]SVSEFLLQLD

ClinVar aggregate classification (germline): Uncertain significance. Review status: criteria provided, multiple submitters, no conflicts (2 of 4 stars). 3 submissions from 3 submitters: Uncertain significance (3). Last evaluated 2026-08-08.

Conditions:
Cardiovascular phenotype. Identifiers: MedGen CN230736.

gnomAD v4.1: 1 of 1,613,686 alleles (0.000062%); highest among the groups gnomAD compares: Non-Finnish European, 0.000085%; no homozygotes.

Submissions (3):

Ambry Genetics
Classification: Uncertain significance for Cardiovascular phenotype. Last evaluated: 2026-08-08. Review status: criteria provided, single submitter. Criteria: Ambry Variant Classification Scheme 2023. Collection method: clinical testing. Allele origin: germline.
Comment: The p.P481L variant (also known as c.1442C>T), located in coding exon 12 of the ENG gene, results from a C to T substitution at nucleotide position 1442. The proline at codon 481 is replaced by leucine, an amino acid with similar properties. This amino acid position is conserved. In addition, the in silico prediction for this alteration is inconclusive. Based on the available evidence, the clinical significance of this variant remains unclear.

GeneDx
Classification: Uncertain significance. Last evaluated: 2026-03-31. Review status: criteria provided, single submitter. Criteria: GeneDx Variant Classification Process June 2021. Collection method: clinical testing. Allele origin: germline.
Comment: Not observed at significant frequency in large population cohorts (gnomAD); In silico analysis supports that this missense variant has a deleterious effect on protein structure/function; Has not been previously published as pathogenic or benign to our knowledge

Blueprint Genetics
Classification: Uncertain significance. Last evaluated: 2024-07-12. Review status: criteria provided, single submitter. Criteria: ACMG Guidelines, 2015. Collection method: clinical testing. Allele origin: germline.